The following is an entry in ClinVar:

ClinVar aggregate classification (germline): Uncertain significance. Review status: criteria provided, multiple submitters, no conflicts (2 of 4 stars). 2 submissions from 2 submitters: Uncertain significance (2). Last evaluated 2022-04-10.

Conditions:
Cardiovascular phenotype. Identifiers: MedGen CN230736.
Hereditary cancer-predisposing syndrome. Also called: Hereditary neoplastic syndrome; Tumor predisposition; Hereditary Cancer Syndrome; Neoplastic Syndromes, Hereditary. Identifiers: Orphanet 140162, MedGen C0027672, MeSH D009386, MONDO:0015356.
Neurofibromatosis, type 1 (NF1). Also called: VON RECKLINGHAUSEN DISEASE; NEUROFIBROMATOSIS, TYPE I, SOMATIC; Neurofibromatosis, type I; Peripheral type neurofibromatosis. Identifiers: Orphanet 636, MedGen C0027831, MONDO:0018975, OMIM 162200. Disease mechanism: loss of function.

Submissions (2):

Ambry Genetics
Classification: Uncertain significance for Cardiovascular phenotype; Hereditary cancer-predisposing syndrome. Last evaluated: 2022-04-10. Review status: criteria provided, single submitter. Criteria: Ambry Variant Classification Scheme 2023. Collection method: clinical testing. Allele origin: germline.
Comment: The p.P2261R variant (also known as c.6782C>G), located in coding exon 45 of the NF1 gene, results from a C to G substitution at nucleotide position 6782. The proline at codon 2261 is replaced by arginine, an amino acid with dissimilar properties. This amino acid position is conserved. In addition, the in silico prediction for this alteration is inconclusive. Since supporting evidence is limited at this time, the clinical significance of this alteration remains unclear.

Labcorp Genetics (formerly Invitae), Labcorp
Classification: Uncertain significance for Neurofibromatosis, type 1. Last evaluated: 2021-01-19. Review status: criteria provided, single submitter. Criteria: Invitae Variant Classification Sherloc (09022015). Collection method: clinical testing. Allele origin: germline.
Comment: This variant has not been reported in the literature in individuals with NF1-related conditions. In summary, the available evidence is currently insufficient to determine the role of this variant in disease. Therefore, it has been classified as a Variant of Uncertain Significance. Algorithms developed to predict the effect of missense changes on protein structure and function are either unavailable or do not agree on the potential impact of this missense change (SIFT: "Tolerated"; PolyPhen-2: "Probably Damaging"; Align-GVGD: "Class C0"). This variant is not present in population databases (ExAC no frequency). This sequence change replaces proline with arginine at codon 2261 of the NF1 protein (p.Pro2261Arg). The proline residue is moderately conserved and there is a moderate physicochemical difference between proline and arginine.

NM_001042492.3(NF1):c.6845C>G (p.Pro2282Arg)

Gene: NF1 (neurofibromin 1; plus strand). Cytogenetic location: 17q11.2.
Variant type: single nucleotide variant.
Coding change: c.6845C>G on transcript NM_001042492.3 (MANE Select); coding-DNA position 6845, C replaced by G.
Protein change: p.Pro2282Arg; replaces proline 2282 with arginine.
Molecular consequence: missense variant.
Genome position (GRCh38, 1-based): chr17:31,338,729, C>G. VCF-style: chr17-31338729-C-G. GRCh37 (hg19) VCF-style: chr17-29665747-C-G.
Other names: c.6782C>G, p.Pro2261Arg (NM_000267.4); short protein forms P2261R, P2282R.
Identifiers: ClinVar variation 1425854 (VCV001425854.10), dbSNP rs2069743547, ClinGen allele CA399014296.